The following is an entry in ClinVar:

NM_198859.4(PRICKLE2):c.1139G>T (p.Ser380Ile)

Gene: PRICKLE2 (prickle planar cell polarity protein 2; minus strand). Cytogenetic location: 3p14.1.
Variant type: single nucleotide variant.
Coding change: c.1139G>T on transcript NM_198859.4 (MANE Select); coding-DNA position 1139, G replaced by T.
Protein change: p.Ser380Ile; replaces serine 380 with isoleucine.
Molecular consequence: missense variant.
Genome position (GRCh38, 1-based): chr3:64,147,351, C>A on the plus strand (G>T on the coding strand, the complement: PRICKLE2 is on the minus strand). VCF-style: chr3-64147351-C-A. GRCh37 (hg19) VCF-style: chr3-64133027-C-A.
Other names: c.1139G>T, p.Ser380Ile (NM_001370528.1); short protein forms S380I.
Identifiers: ClinVar variation 998720 (VCV000998720.5), dbSNP rs1345969937, ClinGen allele CA353430990.
Genomic context (GRCh38, chr3:64,147,351, plus strand): 5'-GGCTCTTCCCGGCTCCTCCAGATGGGGTCCCGGTTGAGGCTGGGTGTCTGGCTGGACAGG[C>A]TGAGCATGTCCATCTGCAGTGACAGGGGGTCTACGTCGGCTGACAGCCGGTTAGAACTCA-3'
Protein context (NP_942559.1, residues 370-390): DPLSLQMDML[Ser380Ile]LSSQTPSLNR

ClinVar aggregate classification (germline): Uncertain significance (1 of 4 stars; one submission).

Conditions:
Progressive myoclonic epilepsy type 5. Identifiers: Orphanet 402082, MedGen C5190799.

Allele frequency attached by ClinVar (database versions not stated): gnomAD exomes below 0.00001; gnomAD 0.00001.
gnomAD v4.1: 4 of 1,614,080 alleles (0.00025%); highest among the groups gnomAD compares: African/African-American, 0.0013%; no homozygotes.

Submission:

Labcorp Genetics (formerly Invitae), Labcorp
Classification: Uncertain significance for Progressive myoclonic epilepsy type 5. Last evaluated: 2023-04-03. Review status: criteria provided, single submitter. Criteria: Invitae Variant Classification Sherloc (09022015). Collection method: clinical testing. Allele origin: germline.
Comment: In summary, the available evidence is currently insufficient to determine the role of this variant in disease. Therefore, it has been classified as a Variant of Uncertain Significance. Advanced modeling of protein sequence and biophysical properties (such as structural, functional, and spatial information, amino acid conservation, physicochemical variation, residue mobility, and thermodynamic stability) performed at Invitae indicates that this missense variant is not expected to disrupt PRICKLE2 protein function. ClinVar contains an entry for this variant (Variation ID: 998720). This variant has not been reported in the literature in individuals affected with PRICKLE2-related conditions. This variant is present in population databases (no rsID available, gnomAD 0.01%). This sequence change replaces serine, which is neutral and polar, with isoleucine, which is neutral and non-polar, at codon 380 of the PRICKLE2 protein (p.Ser380Ile).